The following is an entry in ClinVar:

NM_000090.4(COL3A1):c.1923+1G>T

Gene: COL3A1 (collagen type III alpha 1 chain; plus strand). Cytogenetic location: 2q32.2.
Variant type: single nucleotide variant.
Coding change: c.1923+1G>T on transcript NM_000090.4 (MANE Select); the canonical splice donor site of the intron after coding-DNA position 1923, G replaced by T.
Molecular consequence: splice donor variant.
Genome position (GRCh38, 1-based): chr2:188,997,754, G>T. VCF-style: chr2-188997754-G-T. GRCh37 (hg19) VCF-style: chr2-189862480-G-T.
Identifiers: ClinVar variation 2576110 (VCV002576110.2), dbSNP rs587779573, ClinGen allele CA349853876.

ClinVar aggregate classification (germline): Likely pathogenic (1 of 4 stars; one submission).

Conditions:
Ehlers-Danlos syndrome, type 4 (EDSVASC). Also called: Ehlers-Danlos syndrome vascular type; Ehlers Danlos syndrome, ecchymotic type; Ehlers Danlos syndrome, arterial type; Ehlers Danlos syndrome, Sack-Barabas type; Ehlers-Danlos Syndrome Type IV. Identifiers: Orphanet 286, MedGen C0268338, MONDO:0017314, OMIM 130050.

Submission:

Institute for Clinical Genetics, University Hospital TU Dresden, University Hospital TU Dresden
Classification: Likely pathogenic for Ehlers-Danlos syndrome, type 4. Last evaluated: 2023-04-05. Review status: criteria provided, single submitter. Criteria: ACMG Guidelines, 2015. Collection method: clinical testing. Allele origin: germline. Affected: yes.
Comment: PVS1_STR, PM2_SUP und PP4